The following is an entry in ClinVar:

ClinVar aggregate classification (germline): Conflicting classifications of pathogenicity. Review status: criteria provided, conflicting classifications (1 of 4 stars). 7 submissions from 7 submitters: Uncertain significance (1); Benign (1); Likely benign (4). 1 of the submissions does not count toward it. Last evaluated 2025-11-05.

Conditions:
ARID1B-Related Disorder. Identifiers: MedGen CN381337.
Inborn genetic diseases. Identifiers: MedGen C0950123, MeSH D030342.

Submissions (7):

Labcorp Genetics (formerly Invitae), Labcorp
Classification: Likely benign. Last evaluated: 2025-11-05. Review status: criteria provided, single submitter. Criteria: Invitae Variant Classification Sherloc (09022015). Collection method: clinical testing. Allele origin: germline.

Blueprint Genetics
Classification: Likely benign. Last evaluated: 2024-10-16. Review status: criteria provided, single submitter. Criteria: ACMG Guidelines, 2015. Collection method: clinical testing. Allele origin: germline.

GeneDx
Classification: Benign. Last evaluated: 2021-05-19. Review status: criteria provided, single submitter. Criteria: GeneDx Variant Classification Process June 2021. Collection method: clinical testing. Allele origin: germline. Affected: yes.

CeGaT Center for Human Genetics Tuebingen
Classification: Likely benign. Last evaluated: 2020-10-01. Review status: criteria provided, single submitter. Criteria: CeGaT Center For Human Genetics Tuebingen Variant Classification Criteria Version 2. Collection method: clinical testing. Allele origin: germline. Affected: yes. Observed: 1 variant allele.

Ambry Genetics
Classification: Likely benign for Inborn genetic diseases. Last evaluated: 2018-02-08. Review status: criteria provided, single submitter. Criteria: Ambry Variant Classification Scheme 2023. Collection method: clinical testing. Allele origin: germline.

Genetic Services Laboratory, University of Chicago
Classification: Uncertain significance. Last evaluated: 2015-01-12. Review status: criteria provided, single submitter. Criteria: ACMG Guidelines, 2015. Collection method: clinical testing. Allele origin: germline.

PreventionGenetics, part of Exact Sciences
Classification: Likely benign for ARID1B-related condition. Last evaluated: 2021-05-19. Review status: no assertion criteria provided. Collection method: clinical testing. Allele origin: germline. Not counted in ClinVar's aggregate classification.
Comment: This variant is classified as likely benign based on ACMG/AMP sequence variant interpretation guidelines (Richards et al. 2015 PMID: 25741868, with internal and published modifications).

NM_001374828.1(ARID1B):c.1238GAGCAGGAG[1] (p.413GAG[1])

Gene: ARID1B (AT-rich interaction domain 1B; plus strand). Cytogenetic location: 6q25.3.
Variant type: Microsatellite.
Coding change: c.1238GAGCAGGAG[1] on transcript NM_001374828.1 (MANE Select); one copy of the 9-base unit GAGCAGGAG starting at c.1238; the reference has two copies in a row; one copy, 9 bases deleted.
Protein change: p.413GAG[1].
Molecular consequence: inframe deletion.
Genome position (GRCh38, 1-based): chr6:156,778,927-156,778,935, GAGCAGGAG deleted; deleting any 9 consecutive bases within chr6:156,778,916-156,778,935 gives the same sequence; the position shown is the placement nearest the transcript's 3' end. VCF-style (leftmost placement, unchanged base first): chr6-156778915-CAGGAGCAGG-C. GRCh37 (hg19) VCF-style: chr6-157100049-CAGGAGCAGG-C.
Other names: c.998_1006delGAGCAGGAG (NM_020732.3); c.1238GAGCAGGAG[1], p.413GAG[1] (NM_001371656.1, NM_001374820.1, NM_017519.3); c.998_1006del (NM_020732.3); c.998_1006del9 (NM_020732.3).
Identifiers: ClinVar variation 210315 (VCV000210315.56), dbSNP rs771557031, ClinGen allele CA209907.